The following is an entry in ClinVar:

ClinVar aggregate classification (germline): Uncertain significance (1 of 4 stars; one submission).

Conditions:
Myoclonic dystonia 11 (DYT11). Also called: Myoclonic dystonia; Dystonia 11; Dystonia, alcohol responsive; Hereditary essential myoclonus; SGCE Myoclonus-Dystonia; Myoclonus-Dystonia. Identifiers: Orphanet 36899, MedGen C1834570, MONDO:0008044, OMIM 159900.

Allele frequency attached by ClinVar (database versions not stated): gnomAD exomes below 0.00001; TOPMed below 0.00001; ExAC 0.00001; gnomAD 0.00002.
gnomAD v4.1: 4 of 1,611,232 alleles (0.00025%); highest among the groups gnomAD compares: Admixed American, 0.0067%; no homozygotes.

Submission:

Labcorp Genetics (formerly Invitae), Labcorp
Classification: Uncertain significance for Myoclonic dystonia 11. Last evaluated: 2024-12-07. Review status: criteria provided, single submitter. Criteria: Invitae Variant Classification Sherloc (09022015). Collection method: clinical testing. Allele origin: germline.
Comment: This sequence change replaces threonine, which is neutral and polar, with isoleucine, which is neutral and non-polar, at codon 107 of the SGCE protein (p.Thr107Ile). This variant is present in population databases (rs759877587, gnomAD 0.003%). This variant has not been reported in the literature in individuals affected with SGCE-related conditions. ClinVar contains an entry for this variant (Variation ID: 1716158). Invitae Evidence Modeling of protein sequence and biophysical properties (such as structural, functional, and spatial information, amino acid conservation, physicochemical variation, residue mobility, and thermodynamic stability) indicates that this missense variant is not expected to disrupt SGCE protein function with a negative predictive value of 80%. In summary, the available evidence is currently insufficient to determine the role of this variant in disease. Therefore, it has been classified as a Variant of Uncertain Significance.

NM_003919.3(SGCE):c.320C>T (p.Thr107Ile)

Genes: CASD1 (CAS1 domain sialic acid O acetyltransferase 1; plus strand), SGCE (sarcoglycan epsilon; minus strand). Cytogenetic location: 7q21.3.
Variant type: single nucleotide variant.
Coding change: c.320C>T on transcript NM_003919.3 (MANE Select); coding-DNA position 320, C replaced by T.
Protein change: p.Thr107Ile; replaces threonine 107 with isoleucine.
Molecular consequence: missense variant.
Genome position (GRCh38, 1-based): chr7:94,628,272, G>A on the plus strand (C>T on the coding strand, the complement: SGCE is on the minus strand). VCF-style: chr7-94628272-G-A. GRCh37 (hg19) VCF-style: chr7-94257584-G-A.
Other names: c.197C>T, p.Thr66Ile (NM_001301139.2, NM_001362809.2); c.428C>T, p.Thr143Ile (NM_001346713.2, NM_001346715.2); c.320C>T, p.Thr107Ile (NM_001346717.2, NM_001099400.2, NM_001099401.2); c.233C>T, p.Thr78Ile (NM_001346719.2, NM_001362807.2); c.47C>T, p.Thr16Ile (NM_001346720.2, NM_001362808.2); short protein forms T107I, T143I, T16I, T66I, T78I.
Identifiers: ClinVar variation 1716158 (VCV001716158.5), dbSNP rs759877587, ClinGen allele CA4348840.